The following is an entry in ClinVar:

NM_001320.7(CSNK2B):c.558-8T>A

Gene: CSNK2B (casein kinase 2 beta; plus strand). Cytogenetic location: 6p21.33.
Variant type: single nucleotide variant.
Coding change: c.558-8T>A on transcript NM_001320.7 (MANE Select); 8 bases into the intron before coding-DNA position 558, T replaced by A.
Molecular consequence: intron variant.
Genome position (GRCh38, 1-based): chr6:31,669,828, T>A. VCF-style: chr6-31669828-T-A. GRCh37 (hg19) VCF-style: chr6-31637605-T-A.
Other names: c.549-8T>A (NM_001282385.2).
Identifiers: ClinVar variation 4007619 (VCV004007619.1).

ClinVar aggregate classification (germline): Uncertain significance (1 of 4 stars; one submission).

Conditions:
Inborn genetic diseases. Identifiers: MedGen C0950123, MeSH D030342.

Submission:

Ambry Genetics
Classification: Uncertain significance for Inborn genetic diseases. Last evaluated: 2025-05-02. Review status: criteria provided, single submitter. Criteria: Ambry Variant Classification Scheme 2023. Collection method: clinical testing. Allele origin: germline.
Comment: The c.558-8T>A intronic alteration results from a T to A substitution 8 nucleotides before coding exon 6 of the CSNK2B gene. This variant was not reported in population-based cohorts in the Genome Aggregation Database (gnomAD). This nucleotide position is not well conserved in available vertebrate species. In silico splice site analysis predicts that this alteration will weaken the native splice acceptor site and will result in the creation or strengthening of a novel splice acceptor site. Based on insufficient or conflicting evidence, the clinical significance of this alteration remains unclear.